The following is an entry in ClinVar:

ClinVar aggregate classification (germline): Uncertain significance (1 of 4 stars; one submission).

Submission:

GeneDx
Classification: Uncertain significance. Last evaluated: 2019-10-25. Review status: criteria provided, single submitter. Criteria: GeneDx Variant Classification Process June 2021. Collection method: clinical testing. Allele origin: germline. Affected: yes.
Comment: Not observed in large population cohorts (Lek et al., 2016); In silico analysis, which includes protein predictors and evolutionary conservation, supports a deleterious effect; Has not been previously published as pathogenic or benign to our knowledge

NM_013275.6(ANKRD11):c.7222C>G (p.Arg2408Gly)

Gene: ANKRD11 (ankyrin repeat domain containing 11; minus strand). Cytogenetic location: 16q24.3.
Variant type: single nucleotide variant.
Coding change: c.7222C>G on transcript NM_013275.6 (MANE Select); coding-DNA position 7222, C replaced by G.
Protein change: p.Arg2408Gly; replaces arginine 2408 with glycine.
Molecular consequence: missense variant.
Genome position (GRCh38, 1-based): chr16:89,279,320, G>C on the plus strand (C>G on the coding strand, the complement: ANKRD11 is on the minus strand). VCF-style: chr16-89279320-G-C. GRCh37 (hg19) VCF-style: chr16-89345728-G-C.
Other names: c.7222C>G, p.Arg2408Gly (NM_001256182.2, NM_001256183.2); short protein forms R2408G.
Identifiers: ClinVar variation 1309703 (VCV001309703.2), dbSNP rs1249087579, ClinGen allele CA397148885.
Genomic context (GRCh38, chr16:89,279,320, plus strand): 5'-CGATGGCATCCAGCTTGATGGCGTCCACGATGGCGGCCAGCGTCTGCTGGATCACCTCCC[G>C]CGTCTGCTGCGTGGACGTGTTCAGCTGCTGCTGCAGCTGCTGGGTGGAGCGCTGAAAGCG-3'
Protein context (NP_037407.4, residues 2398-2418): QQLNTSTQQT[Arg2408Gly]EVIQQTLAAI